The following is an entry in ClinVar:

ClinVar aggregate classification (germline): Conflicting classifications of pathogenicity. Review status: criteria provided, conflicting classifications (1 of 4 stars). 7 submissions from 7 submitters: Uncertain significance (3); Likely benign (2). 2 of the submissions do not count toward it. Last evaluated 2025-07-29.

Conditions:
PLCE1-related disorder. Also called: PLCE1-related condition.
Nephrotic syndrome. Identifiers: MedGen C0027726, MONDO:0005377, HP:0000100.
Nephrotic syndrome, type 3 (NPHS3). Also called: NEPHROTIC SYNDROME, EARLY-ONSET, TYPE 3. Identifiers: Orphanet 656, MedGen C1853124, MONDO:0012546, OMIM 610725.

Allele frequency attached by ClinVar (database versions not stated): TOPMed 0.00127; ESP Exome Variant Server 0.00142; 1000 Genomes Project 30x 0.00016; 1000 Genomes Project 0.00020.
gnomAD v4.1: 2,591 of 1,614,056 alleles (0.16%); highest among the groups gnomAD compares: Non-Finnish European, 0.18%; 5 homozygotes.

Submissions (7):

Labcorp Genetics (formerly Invitae), Labcorp
Classification: Likely benign. Last evaluated: 2025-07-29. Review status: criteria provided, single submitter. Criteria: Invitae Variant Classification Sherloc (09022015). Collection method: clinical testing. Allele origin: germline.

CeGaT Center for Human Genetics Tuebingen
Classification: Likely benign. Last evaluated: 2025-01-01. Review status: criteria provided, single submitter. Criteria: CeGaT Center For Human Genetics Tuebingen Variant Classification Criteria Version 2. Collection method: clinical testing. Allele origin: germline. Affected: yes. Observed: 1 variant allele.
Comment: PLCE1: BS2

Molecular Genetics McLendon Clinical Laboratories, University of North Carolina at Chapel Hill
Classification: Uncertain significance for Nephrotic syndrome. Last evaluated: 2023-05-01. Review status: criteria provided, single submitter. Criteria: ACMG Guidelines, 2015. Collection method: clinical testing. Allele origin: germline.

Illumina Laboratory Services, Illumina
Classification: Uncertain significance for Nephrotic syndrome, type 3. Last evaluated: 2017-04-27. Review status: criteria provided, single submitter. Criteria: ICSL Variant Classification Criteria 13 December 2019. Collection method: clinical testing. Allele origin: germline.
Comment: This variant was observed as part of a predisposition screen in an ostensibly healthy population. A literature search was performed for the gene, cDNA change, and amino acid change (where applicable). Publications were found based on this search. However, the evidence from the literature, in combination with allele frequency data from public databases where available, was not sufficient to rule this variant in or out of causing disease. Therefore, this variant is classified as a variant of unknown significance.

Athena Diagnostics
Classification: Uncertain significance. Last evaluated: 2016-12-28. Review status: criteria provided, single submitter. Criteria: Athena Diagnostics Criteria. Collection method: clinical testing. Allele origin: germline.

PreventionGenetics, part of Exact Sciences
Classification: Likely benign for PLCE1-related condition. Last evaluated: 2021-08-11. Review status: no assertion criteria provided. Collection method: clinical testing. Allele origin: germline. Not counted in ClinVar's aggregate classification.
Comment: This variant is classified as likely benign based on ACMG/AMP sequence variant interpretation guidelines (Richards et al. 2015 PMID: 25741868, with internal and published modifications).

Department of Pathology and Laboratory Medicine, Sinai Health System
Classification: Uncertain significance. Review status: no assertion criteria provided. Collection method: clinical testing. Allele origin: unknown. Affected: yes. Study: The Canadian Open Genetics Repository (COGR). Not counted in ClinVar's aggregate classification.
Comment: The PLCE1 p.Ala643Ser variant was identified in the literature in 1 of 69 families with focal and segmental glomerulosclerosis (Gbadegesin_2009_PMID:18975016). The variant was identified in dbSNP (ID: rs61886330), ClinVar (classified as uncertain significance by Athena Diagnostics Inc) and LOVD 3.0 (classified as likely benign). The variant was identified in control databases in 383 of 280922 chromosomes (1 homozygous) at a frequency of 0.001363 increasing the likelihood this could be a low frequency benign variant (Genome Aggregation Database March 6, 2019, v2.1.1). The variant was observed in the following populations: European (Finnish) in 63 of 25038 chromosomes (freq: 0.002516), Other in 15 of 7146 chromosomes (freq: 0.002099), European (non-Finnish) in 270 of 128664 chromosomes (freq: 0.002098), South Asian in 16 of 30602 chromosomes (freq: 0.000523), Ashkenazi Jewish in 4 of 10360 chromosomes (freq: 0.000386), Latino in 13 of 35376 chromosomes (freq: 0.000368) and African in 2 of 24200 chromosomes (freq: 0.000083), but was not observed in the East Asian population. The p.Ala643 residue is conserved in mammals and computational analyses (PolyPhen-2, SIFT, AlignGVGD, BLOSUM, MutationTaster) provide inconsistent predictions regarding the impact to the protein; this information is not very predictive of pathogenicity. The variant occurs outside of the splicing consensus sequence and in silico or computational prediction software programs (SpliceSiteFinder, MaxEntScan, NNSPLICE, GeneSplicer) do not predict a difference in splicing. In summary, based on the above information the clinical significance of this variant cannot be determined with certainty at this time. This variant is classified as a variant of uncertain significance.

Literature cited by the submitters: PubMed 18975016 (cited by Illumina Laboratory Services, Illumina and Athena Diagnostics).

NM_016341.4(PLCE1):c.1927G>T (p.Ala643Ser)

Gene: PLCE1 (phospholipase C epsilon 1; plus strand). Cytogenetic location: 10q23.33.
Variant type: single nucleotide variant.
Coding change: c.1927G>T on transcript NM_016341.4 (MANE Select); coding-DNA position 1927, G replaced by T.
Protein change: p.Ala643Ser; replaces alanine 643 with serine.
Molecular consequence: missense variant.
Genome position (GRCh38, 1-based): chr10:94,227,423, G>T. VCF-style: chr10-94227423-G-T. GRCh37 (hg19) VCF-style: chr10-95987180-G-T.
Other names: c.1003G>T, p.Ala335Ser (NM_001165979.2); c.1927G>T, p.Ala643Ser (NM_001288989.2); short protein forms A643S, A335S.
Identifiers: ClinVar variation 448042 (VCV000448042.30), dbSNP rs61886330, ClinGen allele CA5612512.
Genomic context (GRCh38, chr10:94,227,423, plus strand): 5'-GAAGTCTTTTCATATTTGGTGCATGTGGCCAAATGCTGCTGGAACATGGGCAACTACAAC[G>T]CTGTCATGGAGTTCTTGGCTGGCCTCAGGTATAGTCAGTGGGGAATATGGTTATCTTGGC-3'
Protein context (NP_057425.3, residues 633-653): KCCWNMGNYN[Ala643Ser]VMEFLAGLRS